The following is an entry in ClinVar:

NM_004646.4(NPHS1):c.991G>A (p.Gly331Ser)

Gene: NPHS1 (NPHS1 adhesion molecule, nephrin; minus strand). Cytogenetic location: 19q13.12.
Variant type: single nucleotide variant.
Coding change: c.991G>A on transcript NM_004646.4 (MANE Select); coding-DNA position 991, G replaced by A.
Protein change: p.Gly331Ser; replaces glycine 331 with serine.
Molecular consequence: missense variant.
Genome position (GRCh38, 1-based): chr19:35,848,997, C>T on the plus strand (G>A on the coding strand, the complement: NPHS1 is on the minus strand). VCF-style: chr19-35848997-C-T. GRCh37 (hg19) VCF-style: chr19-36339899-C-T.
Other names: short protein forms G331S.
Identifiers: ClinVar variation 2176131 (VCV002176131.6), dbSNP rs755741122, ClinGen allele CA9390587.

ClinVar aggregate classification (germline): Conflicting classifications of pathogenicity. Review status: criteria provided, conflicting classifications (1 of 4 stars). 3 submissions from 3 submitters: Uncertain significance (2); Likely benign (1). Last evaluated 2026-01-11.

Conditions:
NPHS1-related disorder. Also called: NPHS1-related condition.
Finnish congenital nephrotic syndrome (NPHS1). Also called: NEPHROTIC SYNDROME, TYPE 1. Identifiers: Orphanet 839, MedGen C0403399, MONDO:0009732, OMIM 256300.

Allele frequency attached by ClinVar (database versions not stated): gnomAD 0.00001; TOPMed 0.00001; gnomAD exomes 0.00002; ExAC 0.00004.
gnomAD v4.1: 34 of 1,611,906 alleles (0.0021%); highest among the groups gnomAD compares: South Asian, 0.023%; no homozygotes.

Submissions (3):

PreventionGenetics, part of Exact Sciences
Classification: Uncertain significance for NPHS1-related condition. Last evaluated: 2026-01-11. Review status: criteria provided, single submitter. Criteria: ACMG Guidelines, 2015. Collection method: clinical testing. Allele origin: germline.
Comment: The NPHS1 c.991G>A variant is predicted to result in the amino acid substitution p.Gly331Ser. To our knowledge, this variant has not been reported in the literature. This variant is reported in 0.023% of alleles in individuals of South Asian descent in gnomAD. At this time, the clinical significance of this variant is uncertain due to the absence of conclusive functional and genetic evidence.

Labcorp Genetics (formerly Invitae), Labcorp
Classification: Likely benign. Last evaluated: 2024-03-16. Review status: criteria provided, single submitter. Criteria: Invitae Variant Classification Sherloc (09022015). Collection method: clinical testing. Allele origin: germline.

Fulgent Genetics
Classification: Uncertain significance for Finnish congenital nephrotic syndrome. Last evaluated: 2023-12-29. Review status: criteria provided, single submitter. Criteria: ACMG Guidelines, 2015. Collection method: clinical testing. Allele origin: germline.